The following is an entry in ClinVar:

NM_000083.3(CLCN1):c.652G>A (p.Ala218Thr)

Gene: CLCN1 (chloride voltage-gated channel 1; plus strand). Cytogenetic location: 7q34.
Variant type: single nucleotide variant.
Coding change: c.652G>A on transcript NM_000083.3 (MANE Select); coding-DNA position 652, G replaced by A.
Protein change: p.Ala218Thr; replaces alanine 218 with threonine.
Molecular consequence: missense variant. On other transcripts: non-coding transcript variant (1).
Genome position (GRCh38, 1-based): chr7:143,321,804, G>A. VCF-style: chr7-143321804-G-A. GRCh37 (hg19) VCF-style: chr7-143018897-G-A.
Other names: short protein forms A218T.
Identifiers: ClinVar variation 420147 (VCV000420147.14), dbSNP rs189963844, ClinGen allele CA4537025.

ClinVar aggregate classification (germline): Uncertain significance. Review status: criteria provided, multiple submitters, no conflicts (2 of 4 stars). 6 submissions from 6 submitters: Uncertain significance (6). Last evaluated 2026-09-01.

Conditions:
Congenital myotonia, autosomal recessive form. Also called: Becker Generalized Myotonia; myotonia congenita, autosomal recessive; BECKER DISEASE. Identifiers: Orphanet 614, MedGen C0751360, MONDO:0009715, OMIM 255700.
Congenital myotonia, autosomal dominant form (THD). Also called: THOMSEN DISEASE; Myotonia congenita autosomal dominant. Identifiers: Orphanet 614, MedGen C2936781, MONDO:0008055, OMIM 160800.

Allele frequency attached by ClinVar (database versions not stated): gnomAD exomes 0.00005 and 0.00007; ExAC 0.00007; gnomAD 0.00008; TOPMed 0.00011; 1000 Genomes Project 30x 0.00016; 1000 Genomes Project 0.00020.
gnomAD v4.1: 87 of 1,614,236 alleles (0.0054%); highest among the groups gnomAD compares: Middle Eastern, 0.066%; no homozygotes.

Submissions (6):

CeGaT Center for Human Genetics Tuebingen
Classification: Uncertain significance. Last evaluated: 2026-09-01. Review status: criteria provided, single submitter. Criteria: CeGaT Center For Human Genetics Tuebingen Variant Classification Criteria Version 2. Collection method: clinical testing. Allele origin: germline. Affected: yes. Observed: 1 variant allele.
Comment: CLCN1: PM2, PM1:Supporting

Labcorp Genetics (formerly Invitae), Labcorp
Classification: Uncertain significance for Congenital myotonia, autosomal recessive form; Congenital myotonia, autosomal dominant form. Last evaluated: 2026-01-19. Review status: criteria provided, single submitter. Criteria: Invitae Variant Classification Sherloc (09022015). Collection method: clinical testing. Allele origin: germline.
Comment: This sequence change replaces alanine, which is neutral and non-polar, with threonine, which is neutral and polar, at codon 218 of the CLCN1 protein (p.Ala218Thr). This variant is present in population databases (rs189963844, gnomAD 0.04%), including at least one homozygous and/or hemizygous individual. This missense change has been observed in individual(s) with myotonia congenita (PMID: 10525982). ClinVar contains an entry for this variant (Variation ID: 420147). Invitae Evidence Modeling of protein sequence and biophysical properties (such as structural, functional, and spatial information, amino acid conservation, physicochemical variation, residue mobility, and thermodynamic stability) has been performed for this missense variant. However, the output from this modeling did not meet the statistical confidence thresholds required to predict the impact of this variant on CLCN1 protein function. This variant disrupts the p.Ala218 amino acid residue in CLCN1. Other variant(s) that disrupt this residue have been observed in individuals with CLCN1-related conditions (PMID: 22094069), which suggests that this may be a clinically significant amino acid residue. In summary, the available evidence is currently insufficient to determine the role of this variant in disease. Therefore, it has been classified as a Variant of Uncertain Significance.

Women's Health and Genetics/Laboratory Corporation of America, LabCorp
Classification: Uncertain significance. Last evaluated: 2025-11-10. Review status: criteria provided, single submitter. Criteria: LabCorp Variant Classification Summary - May 2015. Collection method: clinical testing. Allele origin: germline.
Comment: Variant summary: CLCN1 c.652G>A (p.Ala218Thr) results in a non-conservative amino acid change in the encoded protein sequence. Algorithms developed to predict the effect of missense changes on protein structure and function all suggest that this variant is likely to be disruptive. The variant allele was found at a frequency of 7.2e-05 in 251394 control chromosomes. This frequency is not significantly higher than estimated for disease-causing variants in CLCN1, allowing no conclusion about variant significance. c.652G>A has been observed in individual(s) affected with Myotonia congenita without co-segregation evidence. These report(s) do not provide unequivocal conclusions about association of the variant with Myotonia congenita. To our knowledge, no experimental evidence demonstrating an impact on protein function has been reported. The following publication have been ascertained in the context of this evaluation (PMID: 10525982). ClinVar contains an entry for this variant (Variation ID: 420147). Based on the evidence outlined above, the variant was classified as uncertain significance.

Revvity Omics, Revvity
Classification: Uncertain significance. Last evaluated: 2023-01-03. Review status: criteria provided, single submitter. Criteria: ACMG Guidelines, 2015. Collection method: clinical testing. Allele origin: germline.

Fulgent Genetics
Classification: Uncertain significance for Congenital myotonia, autosomal dominant form; Congenital myotonia, autosomal recessive form. Last evaluated: 2022-03-17. Review status: criteria provided, single submitter. Criteria: ACMG Guidelines, 2015. Collection method: clinical testing. Allele origin: unknown.

GeneDx
Classification: Uncertain significance. Last evaluated: 2016-08-02. Review status: criteria provided, single submitter. Criteria: GeneDx Variant Classification (06012015). Collection method: clinical testing. Allele origin: germline. Affected: yes.
Comment: A variant of uncertain significance has been identified in the CLCN1 gene. The A218T variant has been reported in the heterozygous state in an individual with Thomsen disease; however, it did not segregate with Thomsen disease in the affected father and functional characterization of the variant was not performed (de Diego et al., 1999). The A218T variant was not observed in approximately 6,500 individuals of European and African American ancestry in the NHLBI Exome Sequencing Project, indicating it is not a common benign variant in these populations, and it was not observed with any significant frequency in the 1000 Genomes Project. The A218T variant is a non-conservative amino acid substitution, which is likely to impact secondary protein structure as these residues differ in polarity, charge, size and/or other properties. This substitution occurs at a position where amino acids with similar properties to Alanine are tolerated across species. Additionally, a missense variant in a nearby residue (V217D) has been reported in the Human Gene Mutation Database in association with a CLCN1-related disorder (Stenson et al., 2014). In silico analysis is inconsistent in its predictions as to whether or not the variant is damaging to the protein structure/function. Therefore, based on the currently available information, it is unclear whether this variant is a pathogenic variant or a rare benign variant.

Literature cited by the submitters: PubMed 10525982 (cited by Labcorp Genetics (formerly Invitae), Labcorp and Women's Health and Genetics/Laboratory Corporation of America, LabCorp); PubMed 22094069 (cited by Labcorp Genetics (formerly Invitae), Labcorp).